The following is an entry in ClinVar:

ClinVar aggregate classification (germline): Likely benign (1 of 4 stars; one submission).

Submission:

CeGaT Center for Human Genetics Tuebingen
Classification: Likely benign. Last evaluated: 2024-01-01. Review status: criteria provided, single submitter. Criteria: CeGaT Center For Human Genetics Tuebingen Variant Classification Criteria Version 2. Collection method: clinical testing. Allele origin: germline. Affected: yes. Observed: 2 variant alleles.
Comment: ARID1A: PM2, BP4, BS2

NM_006015.6(ARID1A):c.2449G>C (p.Ala817Pro)

Gene: ARID1A (AT-rich interaction domain 1A; plus strand). Cytogenetic location: 1p36.11.
Variant type: single nucleotide variant.
Coding change: c.2449G>C on transcript NM_006015.6 (MANE Select); coding-DNA position 2449, G replaced by C.
Protein change: p.Ala817Pro; replaces alanine 817 with proline.
Molecular consequence: missense variant.
Genome position (GRCh38, 1-based): chr1:26,763,002, G>C. VCF-style: chr1-26763002-G-C. GRCh37 (hg19) VCF-style: chr1-27089493-G-C.
Other names: c.2449G>C, p.Ala817Pro (NM_139135.4); short protein forms A817P.
Identifiers: ClinVar variation 1298413 (VCV001298413.35), dbSNP rs1553152137, ClinGen allele CA339156188.